The following is an entry in ClinVar:

ClinVar aggregate classification (germline): Uncertain significance (1 of 4 stars; one submission).

gnomAD v4.1: 4 of 1,614,082 alleles (0.00025%); highest among the groups gnomAD compares: South Asian, 0.0011%; no homozygotes.

Submission:

Labcorp Genetics (formerly Invitae), Labcorp
Classification: Uncertain significance. Last evaluated: 2024-08-01. Review status: criteria provided, single submitter. Criteria: Invitae Variant Classification Sherloc (09022015). Collection method: clinical testing. Allele origin: germline.
Comment: This sequence change replaces aspartic acid, which is acidic and polar, with glycine, which is neutral and non-polar, at codon 29 of the NSD1 protein (p.Asp29Gly). This variant is not present in population databases (gnomAD no frequency). This variant has not been reported in the literature in individuals affected with NSD1-related conditions. Advanced modeling of protein sequence and biophysical properties (such as structural, functional, and spatial information, amino acid conservation, physicochemical variation, residue mobility, and thermodynamic stability) performed at Invitae indicates that this missense variant is not expected to disrupt NSD1 protein function with a negative predictive value of 95%. In summary, the available evidence is currently insufficient to determine the role of this variant in disease. Therefore, it has been classified as a Variant of Uncertain Significance.

NM_022455.5(NSD1):c.86A>G (p.Asp29Gly)

Gene: NSD1 (nuclear receptor binding SET domain protein 1; plus strand). Cytogenetic location: 5q35.3.
Variant type: single nucleotide variant.
Coding change: c.86A>G on transcript NM_022455.5 (MANE Select); coding-DNA position 86, A replaced by G.
Protein change: p.Asp29Gly; replaces aspartic acid 29 with glycine.
Molecular consequence: missense variant. On other transcripts: 5 prime UTR variant (7).
Genome position (GRCh38, 1-based): chr5:177,135,189, A>G. VCF-style: chr5-177135189-A-G. GRCh37 (hg19) VCF-style: chr5-176562190-A-G.
Other names: c.-48A>G (NM_172349.5, NM_001365684.2, NM_001409305.1 and 4 more transcripts); c.86A>G, p.Asp29Gly (NM_001409301.1, NM_001409302.1, NM_001409303.1 and 1 more transcripts); short protein forms D29G.
Identifiers: ClinVar variation 3696602 (VCV003696602.2).